The following is an entry in ClinVar:

NM_000051.4(ATM):c.3588A>G (p.Lys1196=)

Gene: ATM (ATM serine/threonine kinase; plus strand). Cytogenetic location: 11q22.3.
Variant type: single nucleotide variant.
Coding change: c.3588A>G on transcript NM_000051.4 (MANE Select); coding-DNA position 3588, A replaced by G.
Protein change: p.Lys1196=; no amino-acid change (lysine 1196 retained).
Molecular consequence: synonymous variant.
Genome position (GRCh38, 1-based): chr11:108,282,721, A>G. VCF-style: chr11-108282721-A-G. GRCh37 (hg19) VCF-style: chr11-108153448-A-G.
Other names: c.3588A>G, p.Lys1196= (NM_001351834.2).
Identifiers: ClinVar variation 184211 (VCV000184211.28), dbSNP rs376524625, ClinGen allele CA188209.

ClinVar aggregate classification (germline): Conflicting classifications of pathogenicity. Review status: criteria provided, conflicting classifications (1 of 4 stars). 10 submissions from 10 submitters: Uncertain significance (1); Benign (2); Likely benign (6). 1 of the submissions does not count toward it. Last evaluated 2026-05-04.

Conditions:
ATM-related disorder. Also called: ATM-related disorders; ATM-related condition.
Hereditary cancer-predisposing syndrome. Also called: Tumor predisposition; Neoplastic Syndromes, Hereditary; Hereditary neoplastic syndrome; Hereditary Cancer Syndrome. Identifiers: Orphanet 140162, MedGen C0027672, MeSH D009386, MONDO:0015356.
Ataxia-telangiectasia syndrome (AT). Also called: LOUIS-BAR SYNDROME; Ataxia-telangiectasia, complementation group D; AT, COMPLEMENTATION GROUP C; ATAXIA-TELANGIECTASIA, COMPLEMENTATION GROUP A; ATAXIA-TELANGIECTASIA, FRESNO VARIANT; Ataxia-telangiectasia. Identifiers: Orphanet 100, MedGen C0004135, MONDO:0008840, OMIM 208900.
Familial cancer of breast. Also called: BREAST CANCER, FAMILIAL; hereditary breast carcinoma; Hereditary breast cancer. Identifiers: Orphanet 227535, MedGen C0346153, MONDO:0016419, OMIM 114480. Disease mechanism: loss of function.

Allele frequency attached by ClinVar (database versions not stated): ExAC 0.00003; gnomAD 0.00005 and 0.00006; TOPMed 0.00005; ESP Exome Variant Server 0.00008.
gnomAD v4.1: 137 of 1,613,030 alleles (0.0085%); highest among the groups gnomAD compares: Non-Finnish European, 0.011%; no homozygotes.

Submissions (10):

Women's Health and Genetics/Laboratory Corporation of America, LabCorp
Classification: Likely benign. Last evaluated: 2026-05-04. Review status: criteria provided, single submitter. Criteria: LabCorp Variant Classification Summary - May 2015. Collection method: clinical testing. Allele origin: germline.
Comment: Variant summary: ATM c.3588A>G alters a conserved nucleotide resulting in a synonymous change. Consensus agreement among computation tools predict no significant impact on normal splicing. However, these predictions have yet to be confirmed by functional studies. The variant allele was found at a frequency of 2.8e-05 in 250662 control chromosomes. The available data on variant occurrences in the general population are insufficient to allow any conclusion about variant significance. c.3588A>G has been reported in the literature (Buzin 2003, Decker 2017); however these reports do not provide unequivocal conclusions about association of the variant with Ataxia-Telangiectasia. To our knowledge, no experimental evidence demonstrating an impact on protein function has been reported. The following publications have been ascertained in the context of this evaluation (PMID: 12552559, 28779002). ClinVar contains an entry for this variant (Variation ID: 184211). Based on the evidence outlined above, the variant was classified as likely benign.

Labcorp Genetics (formerly Invitae), Labcorp
Classification: Likely benign for Ataxia-telangiectasia syndrome. Last evaluated: 2026-01-27. Review status: criteria provided, single submitter. Criteria: Invitae Variant Classification Sherloc (09022015). Collection method: clinical testing. Allele origin: germline.

Blueprint Genetics
Classification: Likely benign. Last evaluated: 2024-07-10. Review status: criteria provided, single submitter. Criteria: ACMG Guidelines, 2015. Collection method: clinical testing. Allele origin: germline.

Myriad Genetics, Inc.
Classification: Benign for Familial cancer of breast. Last evaluated: 2024-05-15. Review status: criteria provided, single submitter. Criteria: Myriad Autosomal Dominant, Autosomal Recessive and X-Linked Classification Criteria (2023). Collection method: clinical testing. Allele origin: unknown.
Comment: This variant is considered benign. This variant is a silent/synonymous amino acid change and it is not expected to impact splicing.

Department of Pathology and Laboratory Medicine, Sinai Health System
Classification: Likely benign for Familial cancer of breast. Last evaluated: 2022-05-02. Review status: criteria provided, single submitter. Criteria: ACMG Guidelines, 2015. Collection method: clinical testing. Allele origin: germline. Affected: yes.

Sema4
Classification: Uncertain significance for Hereditary cancer-predisposing syndrome. Last evaluated: 2021-04-30. Review status: criteria provided, single submitter. Criteria: Sema4 Curation Guidelines. Collection method: curation. Allele origin: germline.
Comment: The ATM c.3588A>G (p.K1196=) variant has been reported in 1 individual with ataxia-telangiectasia (PMID: 12552559) and in 1 individual with breast cancer (PMID 28779002). This variant was observed in 7/113460 chromosomes in the Non-Finnish European subpopulation according to the Genome Aggregation Database (PMID: 32461654). This variant has been reported in ClinVar (Variation ID 184211). In silico tools suggest that the variant may have an impact on splicing, though these predictions have not been confirmed by functional studies. The overall evidence is insufficient to meet ACMG/AMP criteria for classifying it as benign or pathogenic. In summary, the clinical significance of this variant is currently uncertain.

Color Diagnostics, LLC DBA Color Health
Classification: Likely benign for Hereditary cancer-predisposing syndrome. Last evaluated: 2017-06-22. Review status: criteria provided, single submitter. Criteria: ACMG Guidelines, 2015. Collection method: clinical testing. Allele origin: germline.

GeneDx
Classification: Benign. Last evaluated: 2015-03-03. Review status: criteria provided, single submitter. Criteria: GeneDx Variant Classification Process June 2021. Collection method: clinical testing. Allele origin: germline. Affected: yes.

Ambry Genetics
Classification: Likely benign for Hereditary cancer-predisposing syndrome. Last evaluated: 2014-07-10. Review status: criteria provided, single submitter. Criteria: Ambry Variant Classification Scheme 2023. Collection method: clinical testing. Allele origin: germline.

PreventionGenetics, part of Exact Sciences
Classification: Likely benign for ATM-related condition. Last evaluated: 2022-02-24. Review status: no assertion criteria provided. Collection method: clinical testing. Allele origin: germline. Not counted in ClinVar's aggregate classification.
Comment: This variant is classified as likely benign based on ACMG/AMP sequence variant interpretation guidelines (Richards et al. 2015 PMID: 25741868, with internal and published modifications).

Literature cited by the submitters: PubMed 12552559 (cited by Women's Health and Genetics/Laboratory Corporation of America, LabCorp and Sema4); PubMed 28779002 (cited by Women's Health and Genetics/Laboratory Corporation of America, LabCorp and Sema4).